The following is an entry in ClinVar:

NM_003719.5(PDE8B):c.239C>G (p.Ala80Gly)

Gene: PDE8B (phosphodiesterase 8B; plus strand). Cytogenetic location: 5q13.3.
Variant type: single nucleotide variant.
Coding change: c.239C>G on transcript NM_003719.5 (MANE Select); coding-DNA position 239, C replaced by G.
Protein change: p.Ala80Gly; replaces alanine 80 with glycine.
Molecular consequence: missense variant. On other transcripts: 5 prime UTR variant (1), intron variant (15).
Genome position (GRCh38, 1-based): chr5:77,211,164, C>G. VCF-style: chr5-77211164-C-G. GRCh37 (hg19) VCF-style: chr5-76506989-C-G.
Other names: c.239C>G, p.Ala80Gly (NM_001029851.4, NM_001029852.4, NM_001029853.4 and 7 more transcripts); c.-131C>G (NM_001349753.2); c.-34+92643C>G (NM_001414622.1, NM_001414623.1); c.36+30678C>G (NM_001349750.3, NM_001376069.1, NM_001376062.1 and 7 more transcripts); c.-34+1118C>G (NM_001376067.1, NM_001376075.1); c.-31+1118C>G (NM_001376068.1); short protein forms A80G.
Identifiers: ClinVar variation 4763677 (VCV004763677.1).

ClinVar aggregate classification (germline): Uncertain significance (1 of 4 stars; one submission).

Submission:

Labcorp Genetics (formerly Invitae), Labcorp
Classification: Uncertain significance. Last evaluated: 2025-09-18. Review status: criteria provided, single submitter. Criteria: Invitae Variant Classification Sherloc (09022015). Collection method: clinical testing. Allele origin: germline.
Comment: This sequence change replaces alanine, which is neutral and non-polar, with glycine, which is neutral and non-polar, at codon 80 of the PDE8B protein (p.Ala80Gly). This variant is not present in population databases (gnomAD no frequency). This variant has not been reported in the literature in individuals affected with PDE8B-related conditions. An algorithm developed to predict the effect of missense changes on protein structure and function outputs the following: PolyPhen-2: "Benign". The glycine amino acid residue is found in multiple mammalian species, which suggests that this missense change does not adversely affect protein function. In summary, the available evidence is currently insufficient to determine the role of this variant in disease. Therefore, it has been classified as a Variant of Uncertain Significance.